The following is an entry in ClinVar:

ClinVar aggregate classification (germline): Likely pathogenic (1 of 4 stars; one submission).

Conditions:
Polycystic kidney disease 4 (PKD4). Also called: POLYCYSTIC KIDNEY AND HEPATIC DISEASE 1; POLYCYSTIC KIDNEY DISEASE, INFANTILE, TYPE I; POLYCYSTIC KIDNEY DISEASE 4 WITH OR WITHOUT POLYCYSTIC LIVER DISEASE; PKD3; Autosomal Recessive Polycystic Kidney Disease – PKHD1. Identifiers: MedGen C4540575, MONDO:0033004, OMIM 263200.

Submission:

Myriad Genetics, Inc.
Classification: Likely pathogenic for Polycystic kidney disease 4. Last evaluated: 2022-04-20. Review status: criteria provided, single submitter. Criteria: Myriad Women's Health Autosomal Recessive and X-Linked Classification Criteria (2021). Collection method: clinical testing. Allele origin: unknown.
Comment: NM_138694.3(PKHD1):c.4155delT(F1385Lfs*3) is expected to be pathogenic in the context of autosomal recessive polycystic kidney disease, PKHD1-related. This variant is predicted to lead to an abnormal or absent protein product due to the creation of a premature termination codon in PKHD1, a gene where loss-of-function variants are known to be pathogenic. Please note: this variant was assessed in the context of healthy population screening.

NM_138694.4(PKHD1):c.4155del (p.Phe1385fs)

Gene: PKHD1 (PKHD1 ciliary IPT domain containing fibrocystin/polyductin; minus strand). Cytogenetic location: 6p12.2.
Variant type: Deletion.
Coding change: c.4155del on transcript NM_138694.4 (MANE Select); coding-DNA position 4155, one base deleted (T; older notation c.4155delT).
Protein change: p.Phe1385fs; shifts the reading frame from phenylalanine 1385.
Molecular consequence: frameshift variant.
Genome position (GRCh38, 1-based): chr6:52,025,655, A deleted on the plus strand (T on the coding strand, the reverse complement: PKHD1 is on the minus strand); the first of 3 consecutive A bases (chr6:52,025,655-52,025,657); deleting any one gives the same sequence. VCF-style (leftmost placement, unchanged base first): chr6-52025654-CA-C. GRCh37 (hg19) VCF-style: chr6-51890452-CA-C.
Other names: c.4155del, p.Phe1385fs (NM_170724.3); short protein forms F1385fs.
Identifiers: ClinVar variation 1725938 (VCV001725938.2), dbSNP rs2532722658, ClinGen allele CA2580075541.